The following is an entry in ClinVar:

ClinVar aggregate classification (germline): Uncertain significance (1 of 4 stars; one submission).

Conditions:
Primary ciliary dyskinesia. Also called: Ciliary dyskinesia. Identifiers: Orphanet 244, MedGen C0008780, MONDO:0016575, HP:0012265.

Submission:

Labcorp Genetics (formerly Invitae), Labcorp
Classification: Uncertain significance for Primary ciliary dyskinesia. Last evaluated: 2021-09-21. Review status: criteria provided, single submitter. Criteria: Invitae Variant Classification Sherloc (09022015). Collection method: clinical testing. Allele origin: germline.
Comment: This variant has not been reported in the literature in individuals affected with CCDC39-related conditions. This variant is not present in population databases (ExAC no frequency). This sequence change replaces phenylalanine with valine at codon 123 of the CCDC39 protein (p.Phe123Val). The phenylalanine residue is moderately conserved and there is a small physicochemical difference between phenylalanine and valine. Algorithms developed to predict the effect of missense changes on protein structure and function are either unavailable or do not agree on the potential impact of this missense change (SIFT: "Tolerated"; PolyPhen-2: "Probably Damaging"; Align-GVGD: "Class C0"). In summary, the available evidence is currently insufficient to determine the role of this variant in disease. Therefore, it has been classified as a Variant of Uncertain Significance.

NM_181426.2(CCDC39):c.367T>G (p.Phe123Val)

Gene: CCDC39 (coiled-coil domain 39 molecular ruler complex subunit; minus strand). Cytogenetic location: 3q26.33.
Variant type: single nucleotide variant.
Coding change: c.367T>G on transcript NM_181426.2 (MANE Select); coding-DNA position 367, T replaced by G.
Protein change: p.Phe123Val; replaces phenylalanine 123 with valine.
Molecular consequence: missense variant.
Genome position (GRCh38, 1-based): chr3:180,660,719, A>C on the plus strand (T>G on the coding strand, the complement: CCDC39 is on the minus strand). VCF-style: chr3-180660719-A-C. GRCh37 (hg19) VCF-style: chr3-180378507-A-C.
Other names: short protein forms F123V.
Identifiers: ClinVar variation 1382545 (VCV001382545.4), dbSNP rs2108429552, ClinGen allele CA355303714.
Genomic context (GRCh38, chr3:180,660,719, plus strand): 5'-ATGCTTGCTGGTCCCAGTTCATTTGACATTTCAAACCATCCAATTTTTGAGTGGCTTTAA[A>C]TATGCCATTCTAATTTCCAAAGAGAGAGAGAAAAGGGGAGATTACAAAACATTACTTACT-3'
Protein context (NP_852091.1, residues 113-133): EKKSDKENGI[Phe123Val]KATQKLDGLK